The following is an entry in ClinVar:

NM_174936.4(PCSK9):c.1088C>T (p.Ala363Val)

Gene: PCSK9 (proprotein convertase subtilisin/kexin type 9; plus strand). Cytogenetic location: 1p32.3.
Variant type: single nucleotide variant.
Coding change: c.1088C>T on transcript NM_174936.4 (MANE Select); coding-DNA position 1088, C replaced by T.
Protein change: p.Ala363Val; replaces alanine 363 with valine.
Molecular consequence: missense variant. On other transcripts: non-coding transcript variant (7).
Genome position (GRCh38, 1-based): chr1:55,057,422, C>T. VCF-style: chr1-55057422-C-T. GRCh37 (hg19) VCF-style: chr1-55523095-C-T.
Other names: c.1211C>T, p.Ala404Val (NM_001407240.1); c.1088C>T, p.Ala363Val (NM_001407241.1, NM_001407244.1, NM_001407247.1); c.1091C>T, p.Ala364Val (NM_001407242.1); c.1031C>T, p.Ala344Val (NM_001407243.1); c.896C>T, p.Ala299Val (NM_001407245.1); c.713C>T, p.Ala238Val (NM_001407246.1); short protein forms A363V, A364V, A238V, A299V, A344V, A404V.
Identifiers: ClinVar variation 5008209 (VCV005008209.1).

ClinVar aggregate classification (germline): Uncertain significance (1 of 4 stars; one submission).

Submission:

GeneDx
Classification: Uncertain significance. Last evaluated: 2026-02-27. Review status: criteria provided, single submitter. Criteria: GeneDx Variant Classification Process June 2021. Collection method: clinical testing. Allele origin: germline.
Comment: Not observed at significant frequency in large population cohorts (gnomAD); In silico analysis supports that this missense variant has a deleterious effect on protein structure/function; Has not been previously published as pathogenic or benign to our knowledge